The following is an entry in ClinVar:

NM_015158.5(KANK1):c.1009C>T (p.Arg337Trp)

Gene: KANK1 (KN motif and ankyrin repeat domains 1; plus strand). Cytogenetic location: 9p24.3.
Variant type: single nucleotide variant.
Coding change: c.1009C>T on transcript NM_015158.5 (MANE Select); coding-DNA position 1009, C replaced by T.
Protein change: p.Arg337Trp; replaces arginine 337 with tryptophan.
Molecular consequence: missense variant. On other transcripts: non-coding transcript variant (1).
Genome position (GRCh38, 1-based): chr9:711,775, C>T. VCF-style: chr9-711775-C-T. GRCh37 (hg19) VCF-style: chr9-711775-C-T.
Other names: c.1009C>T, p.Arg337Trp (NM_001256876.3, NM_001256877.3, NM_001354331.2 and 2 more transcripts); c.535C>T, p.Arg179Trp (NM_001354333.2, NM_001354335.2, NM_001354336.2 and 9 more transcripts); c.1009C>T (NM_015158.2); short protein forms R179W, R337W.
Identifiers: ClinVar variation 2054882 (VCV002054882.5), dbSNP rs139937975, ClinGen allele CA4960095.

ClinVar aggregate classification (germline): Uncertain significance. Review status: criteria provided, multiple submitters, no conflicts (2 of 4 stars). 2 submissions from 2 submitters: Uncertain significance (2). Last evaluated 2024-04-01.

Allele frequency attached by ClinVar (database versions not stated): gnomAD 0.00005; ESP Exome Variant Server 0.00015; TOPMed 0.00007.
gnomAD v4.1: 34 of 1,614,066 alleles (0.0021%); highest among the groups gnomAD compares: African/African-American, 0.015%; no homozygotes.

Submissions (2):

Ambry Genetics
Classification: Uncertain significance. Last evaluated: 2024-04-01. Review status: criteria provided, single submitter. Criteria: Ambry Variant Classification Scheme 2023. Collection method: clinical testing. Allele origin: germline.

Labcorp Genetics (formerly Invitae), Labcorp
Classification: Uncertain significance. Last evaluated: 2022-06-02. Review status: criteria provided, single submitter. Criteria: Invitae Variant Classification Sherloc (09022015). Collection method: clinical testing. Allele origin: germline.
Comment: This sequence change replaces arginine, which is basic and polar, with tryptophan, which is neutral and slightly polar, at codon 337 of the KANK1 protein (p.Arg337Trp). This variant is present in population databases (rs139937975, gnomAD 0.02%). This variant has not been reported in the literature in individuals affected with KANK1-related conditions. Algorithms developed to predict the effect of missense changes on protein structure and function are either unavailable or do not agree on the potential impact of this missense change (SIFT: "Deleterious"; PolyPhen-2: "Benign"; Align-GVGD: "Class C0"). In summary, the available evidence is currently insufficient to determine the role of this variant in disease. Therefore, it has been classified as a Variant of Uncertain Significance.